The following is an entry in ClinVar:

NM_020975.6(RET):c.241C>T (p.His81Tyr)

Gene: RET (ret proto-oncogene; plus strand). Cytogenetic location: 10q11.21.
Variant type: single nucleotide variant.
Coding change: c.241C>T on transcript NM_020975.6 (MANE Select); coding-DNA position 241, C replaced by T.
Protein change: p.His81Tyr; replaces histidine 81 with tyrosine.
Molecular consequence: missense variant.
Genome position (GRCh38, 1-based): chr10:43,100,626, C>T. VCF-style: chr10-43100626-C-T. GRCh37 (hg19) VCF-style: chr10-43596074-C-T.
Other names: c.241C>T, p.His81Tyr (NM_000323.2, NM_001406743.1, NM_001406744.1 and 34 more transcripts); short protein forms H81Y.
Identifiers: ClinVar variation 1790999 (VCV001790999.2), dbSNP rs1275748857, ClinGen allele CA376770382.

ClinVar aggregate classification (germline): Uncertain significance (1 of 4 stars; one submission).

Conditions:
Hereditary cancer-predisposing syndrome. Also called: Hereditary Cancer Syndrome; Hereditary neoplastic syndrome; Tumor predisposition; Neoplastic Syndromes, Hereditary. Identifiers: Orphanet 140162, MedGen C0027672, MeSH D009386, MONDO:0015356.

Submission:

Ambry Genetics
Classification: Uncertain significance for Hereditary cancer-predisposing syndrome. Last evaluated: 2022-03-25. Review status: criteria provided, single submitter. Criteria: Ambry Variant Classification Scheme 2023. Collection method: clinical testing. Allele origin: germline.
Comment: The p.H81Y variant (also known as c.241C>T), located in coding exon 2 of the RET gene, results from a C to T substitution at nucleotide position 241. The histidine at codon 81 is replaced by tyrosine, an amino acid with similar properties. This amino acid position is conserved. In addition, this alteration is predicted to be tolerated by in silico analysis. Since supporting evidence is limited at this time, the clinical significance of this alteration remains unclear.